The following is an entry in ClinVar:

NM_000548.5(TSC2):c.1741_1839+182del

Gene: TSC2 (TSC complex subunit 2; plus strand). Cytogenetic location: 16p13.3.
Variant type: Deletion.
Coding change: c.1741_1839+182del on transcript NM_000548.5 (MANE Select); coding-DNA position 1741 through 182 bases into the intron after coding-DNA position 1839, 281 bases deleted.
Molecular consequence: splice donor variant.
Genome position (GRCh38, 1-based): chr16:2,070,480-2,070,760, 281 bases deleted. GRCh37 (hg19): chr16:2,120,481-2,120,761.
Other names: c.1741_1839+182del (NM_001114382.3, NM_021055.3, NM_001370405.1 and 3 more transcripts); c.1630_1728+182del (NM_001318827.2); c.1141_1239+182del (NM_001318831.2); c.1594_1692+182del (NM_001318829.2); c.1774_1872+182del (NM_001318832.2).
Identifiers: ClinVar variation 1779199 (VCV001779199.2), dbSNP rs2543623129, ClinGen allele CA2580090556.

ClinVar aggregate classification (germline): Pathogenic (1 of 4 stars; one submission).

Conditions:
Hereditary cancer-predisposing syndrome. Also called: Neoplastic Syndromes, Hereditary; Tumor predisposition; Hereditary Cancer Syndrome; Hereditary neoplastic syndrome. Identifiers: Orphanet 140162, MedGen C0027672, MeSH D009386, MONDO:0015356.

Submission:

Ambry Genetics
Classification: Pathogenic for Hereditary cancer-predisposing syndrome. Last evaluated: 2022-10-21. Review status: criteria provided, single submitter. Criteria: Ambry Variant Classification Scheme 2023. Collection method: clinical testing. Allele origin: germline.
Comment: The c.1741_1839+182del281 pathogenic mutation results from a deletion of 281 nucleotides between positions c.1741 and c.1839+182 and involves the canonical splice donor site after coding exon 16 of the TSC2 gene. This alteration has been observed in at least one individual with a personal and/or family history that is consistent with TSC2-related disease (Ambry internal data). The resulting transcript is predicted to preserve the reading frame and is not expected to trigger nonsense-mediated mRNA decay. However, gross deletions are typically deleterious in nature and the impacted region is critical for protein function (Ambry internal data). As such, this alteration is interpreted as a disease-causing mutation.